The following is an entry in ClinVar:

ClinVar aggregate classification (germline): Uncertain significance (1 of 4 stars; one submission).

Conditions:
Paroxysmal nonkinesigenic dyskinesia. Also called: Paroxysmal non-kinesigenic dyskinesia. Identifiers: Orphanet 98810, MedGen C1869117, MONDO:0700088.

Submission:

Labcorp Genetics (formerly Invitae), Labcorp
Classification: Uncertain significance for Paroxysmal nonkinesigenic dyskinesia. Last evaluated: 2024-03-11. Review status: criteria provided, single submitter. Criteria: Invitae Variant Classification Sherloc (09022015). Collection method: clinical testing. Allele origin: germline.
Comment: This sequence change replaces proline, which is neutral and non-polar, with leucine, which is neutral and non-polar, at codon 105 of the PNKD protein (p.Pro105Leu). This variant is not present in population databases (gnomAD no frequency). This variant has not been reported in the literature in individuals affected with PNKD-related conditions. Advanced modeling of protein sequence and biophysical properties (such as structural, functional, and spatial information, amino acid conservation, physicochemical variation, residue mobility, and thermodynamic stability) performed at Invitae indicates that this missense variant is not expected to disrupt PNKD protein function with a negative predictive value of 80%. In summary, the available evidence is currently insufficient to determine the role of this variant in disease. Therefore, it has been classified as a Variant of Uncertain Significance.

NM_015488.5(PNKD):c.314C>T (p.Pro105Leu)

Genes: CATIP-AS2 (CATIP antisense RNA 2; minus strand), PNKD (PNKD metallo-beta-lactamase domain containing; plus strand). Cytogenetic location: 2q35.
Variant type: single nucleotide variant.
Coding change: c.314C>T on transcript NM_015488.5 (MANE Select); coding-DNA position 314, C replaced by T.
Protein change: p.Pro105Leu; replaces proline 105 with leucine.
Molecular consequence: missense variant.
Genome position (GRCh38, 1-based): chr2:218,339,860, C>T. VCF-style: chr2-218339860-C-T. GRCh37 (hg19) VCF-style: chr2-219204583-C-T.
Other names: c.242C>T, p.Pro81Leu (NM_022572.5); short protein forms P81L, P105L.
Identifiers: ClinVar variation 2702344 (VCV002702344.3), dbSNP rs2469461975, ClinGen allele CA350538222.